The following is an entry in ClinVar:

NM_004281.4(BAG3):c.34G>A (p.Val12Met)

Gene: BAG3 (BAG cochaperone 3; plus strand). Cytogenetic location: 10q26.11.
Variant type: single nucleotide variant.
Coding change: c.34G>A on transcript NM_004281.4 (MANE Select); coding-DNA position 34, G replaced by A.
Protein change: p.Val12Met; replaces valine 12 with methionine.
Molecular consequence: missense variant.
Genome position (GRCh38, 1-based): chr10:119,651,709, G>A. VCF-style: chr10-119651709-G-A. GRCh37 (hg19) VCF-style: chr10-121411221-G-A.
Other names: short protein forms V12M.
Identifiers: ClinVar variation 949690 (VCV000949690.13), dbSNP rs367917821, ClinGen allele CA5716205.

ClinVar aggregate classification (germline): Conflicting classifications of pathogenicity. Review status: criteria provided, conflicting classifications (1 of 4 stars). 4 submissions from 4 submitters: Uncertain significance (2); Likely benign (2). Last evaluated 2025-11-22.

Conditions:
Cardiovascular phenotype. Identifiers: MedGen CN230736.
Dilated cardiomyopathy 1HH (CMD1HH). Identifiers: Orphanet 154, MedGen C3151293, MONDO:0013479, OMIM 613881.
Myofibrillar myopathy 6. Identifiers: Orphanet 199340, MedGen C2751831, MONDO:0013061, OMIM 612954.

Allele frequency attached by ClinVar (database versions not stated): TOPMed 0.00002; gnomAD exomes 0.00003; ExAC 0.00004; gnomAD 0.00004 and 0.00005; ESP Exome Variant Server 0.00008.
gnomAD v4.1: 45 of 1,594,808 alleles (0.0028%); highest among the groups gnomAD compares: Middle Eastern, 0.017%; 1 homozygote.

Submissions (4):

Labcorp Genetics (formerly Invitae), Labcorp
Classification: Uncertain significance for Dilated cardiomyopathy 1HH; Myofibrillar myopathy 6. Last evaluated: 2025-11-22. Review status: criteria provided, single submitter. Criteria: Invitae Variant Classification Sherloc (09022015). Collection method: clinical testing. Allele origin: germline.
Comment: This sequence change replaces valine, which is neutral and non-polar, with methionine, which is neutral and non-polar, at codon 12 of the BAG3 protein (p.Val12Met). This variant is present in population databases (rs367917821, gnomAD 0.007%). This variant has not been reported in the literature in individuals affected with BAG3-related conditions. ClinVar contains an entry for this variant (Variation ID: 949690). An algorithm developed to predict the effect of missense changes on protein structure and function outputs the following: PolyPhen-2: "Benign". The methionine amino acid residue is found in multiple mammalian species, which suggests that this missense change does not adversely affect protein function. In summary, the available evidence is currently insufficient to determine the role of this variant in disease. Therefore, it has been classified as a Variant of Uncertain Significance.

Ambry Genetics
Classification: Likely benign for Cardiovascular phenotype. Last evaluated: 2025-10-31. Review status: criteria provided, single submitter. Criteria: Ambry Variant Classification Scheme 2023. Collection method: clinical testing. Allele origin: germline.

Blueprint Genetics
Classification: Likely benign. Last evaluated: 2022-08-19. Review status: criteria provided, single submitter. Criteria: ACMG Guidelines, 2015. Collection method: clinical testing. Allele origin: germline.

Revvity Omics, Revvity
Classification: Uncertain significance. Last evaluated: 2019-05-03. Review status: criteria provided, single submitter. Criteria: ACMG Guidelines, 2015. Collection method: clinical testing. Allele origin: germline.